The following is an entry in ClinVar:

NM_001036.6(RYR3):c.4307A>C (p.Gln1436Pro)

Gene: RYR3 (ryanodine receptor 3; plus strand). Cytogenetic location: 15q14.
Variant type: single nucleotide variant.
Coding change: c.4307A>C on transcript NM_001036.6 (MANE Select); coding-DNA position 4307, A replaced by C.
Protein change: p.Gln1436Pro; replaces glutamine 1436 with proline.
Molecular consequence: missense variant.
Genome position (GRCh38, 1-based): chr15:33,652,882, A>C. VCF-style: chr15-33652882-A-C. GRCh37 (hg19) VCF-style: chr15-33945083-A-C.
Other names: c.4307A>C, p.Gln1436Pro (NM_001243996.4); short protein forms Q1436P.
Identifiers: ClinVar variation 453047 (VCV000453047.2), dbSNP rs765877934, ClinGen allele CA7458953.
Genomic context (GRCh38, chr15:33,652,882, plus strand): 5'-ATCTGGCCATGGGCATGTTGTCCTTCTCAGCCAATGGAAAGGAACTGGGCACCTGCTACC[A>C]GGTAAGGGCGGCTTCTGGGGCCGAAACAGGGCTATCCCAGGCCTGGTGTTTATCACTGTG-3'
Protein context (NP_001027.3, residues 1426-1446): ANGKELGTCY[Gln1436Pro]VEPNTKVFPA

ClinVar aggregate classification (germline): Uncertain significance (1 of 4 stars; one submission).

Allele frequency attached by ClinVar (database versions not stated): ExAC 0.00002.
gnomAD v4.1: 11 of 1,604,978 alleles (0.00069%); highest among the groups gnomAD compares: South Asian, 0.012%; no homozygotes.

Submission:

GeneDx
Classification: Uncertain significance. Last evaluated: 2017-11-01. Review status: criteria provided, single submitter. Criteria: GeneDx Variant Classification (06012015). Collection method: clinical testing. Allele origin: germline. Affected: yes.
Comment: The Q1436P variant has not been published as a pathogenic variant, nor has it been reported as a benign variant to our knowledge. The Q1436P variant is observed in 4/30,124 (0.01%) alleles from individuals of South Asian background (Lek et al., 2016). This variant is a non-conservative amino acid substitution, which is likely to impact secondary protein structure as these residues differ in polarity, charge, size and/or other properties. This substitution occurs at a position that is conserved across species, and in silico analysis predicts this variant is probably damaging to the protein structure/function.